The following is an entry in ClinVar:

NM_000059.4(BRCA2):c.3884A>C (p.Gln1295Pro)

Gene: BRCA2 (BRCA2 DNA repair associated; plus strand). Cytogenetic location: 13q13.1.
Variant type: single nucleotide variant.
Coding change: c.3884A>C on transcript NM_000059.4 (MANE Select); coding-DNA position 3884, A replaced by C.
Protein change: p.Gln1295Pro; replaces glutamine 1295 with proline.
Molecular consequence: missense variant. On other transcripts: non-coding transcript variant (1), intron variant (2).
Genome position (GRCh38, 1-based): chr13:32,338,239, A>C. VCF-style: chr13-32338239-A-C. GRCh37 (hg19) VCF-style: chr13-32912376-A-C.
Other names: c.3884A>C, p.Gln1295Pro (NM_001406719.1, NM_001406720.1, NM_001432077.1); c.1909+4852A>C (NM_001406721.1); c.425-6319A>C (NM_001406722.1); short protein forms Q1295P.
Identifiers: ClinVar variation 4867788 (VCV004867788.1).

ClinVar aggregate classification (germline): Uncertain significance (1 of 4 stars; one submission).

Conditions:
Hereditary cancer-predisposing syndrome. Also called: Neoplastic Syndromes, Hereditary; Tumor predisposition; Hereditary Cancer Syndrome; Hereditary neoplastic syndrome. Identifiers: Orphanet 140162, MedGen C0027672, MeSH D009386, MONDO:0015356.

Submission:

Ambry Genetics
Classification: Uncertain significance for Hereditary cancer-predisposing syndrome. Last evaluated: 2026-03-21. Review status: criteria provided, single submitter. Criteria: Ambry Variant Classification Scheme 2023. Collection method: clinical testing. Allele origin: germline.
Comment: The p.Q1295P variant (also known as c.3884A>C), located in coding exon 10 of the BRCA2 gene, results from an A to C substitution at nucleotide position 3884. The glutamine at codon 1295 is replaced by proline, an amino acid with similar properties. This amino acid position is conserved. In addition, this alteration is predicted to be tolerated by in silico analysis. Based on the available evidence, the clinical significance of this variant remains unclear.